The following is an entry in ClinVar:

ClinVar aggregate classification (germline): Uncertain significance (1 of 4 stars; one submission).

Allele frequency attached by ClinVar (database versions not stated): TOPMed below 0.00001.

Submission:

Labcorp Genetics (formerly Invitae), Labcorp
Classification: Uncertain significance. Last evaluated: 2023-05-11. Review status: criteria provided, single submitter. Criteria: Invitae Variant Classification Sherloc (09022015). Collection method: clinical testing. Allele origin: germline.
Comment: An algorithm developed to predict the effect of missense changes on protein structure and function (PolyPhen-2) suggests that this variant is likely to be disruptive. In summary, the available evidence is currently insufficient to determine the role of this variant in disease. Therefore, it has been classified as a Variant of Uncertain Significance. This sequence change replaces tyrosine, which is neutral and polar, with histidine, which is basic and polar, at codon 464 of the DONSON protein (p.Tyr464His). This variant is present in population databases (no rsID available, gnomAD 0.0009%). This variant has not been reported in the literature in individuals affected with DONSON-related conditions.

NM_017613.4(DONSON):c.1390T>C (p.Tyr464His)

Gene: DONSON (DNA replication fork stabilization factor DONSON; minus strand). Cytogenetic location: 21q22.11.
Variant type: single nucleotide variant.
Coding change: c.1390T>C on transcript NM_017613.4 (MANE Select); coding-DNA position 1390, T replaced by C.
Protein change: p.Tyr464His; replaces tyrosine 464 with histidine.
Molecular consequence: missense variant.
Genome position (GRCh38, 1-based): chr21:33,579,523, A>G on the plus strand (T>C on the coding strand, the complement: DONSON is on the minus strand). VCF-style: chr21-33579523-A-G. GRCh37 (hg19) VCF-style: chr21-34951829-A-G.
Other names: short protein forms Y464H.
Identifiers: ClinVar variation 2860618 (VCV002860618.3), dbSNP rs959843545, ClinGen allele CA320117652.